The following is an entry in ClinVar:

NM_018192.4(P3H2):c.797_809del (p.Lys266fs)

Gene: P3H2 (prolyl 3-hydroxylase 2; minus strand). Cytogenetic location: 3q28.
Variant type: Deletion.
Coding change: c.797_809del on transcript NM_018192.4 (MANE Select); coding-DNA positions 797 to 809, 13 bases deleted (AGGCTGGTCTGTA).
Protein change: p.Lys266fs; shifts the reading frame from lysine 266.
Molecular consequence: frameshift variant.
Genome position (GRCh38, 1-based): chr3:189,994,108-189,994,120, TACAGACCAGCCT deleted on the plus strand (AGGCTGGTCTGTA on the coding strand, the reverse complement: P3H2 is on the minus strand); deleting any 13 consecutive bases within chr3:189,994,108-189,994,122 gives the same sequence; the c. name uses the placement nearest the transcript's 3' end. VCF-style (leftmost placement, unchanged base first): chr3-189994107-ATACAGACCAGCCT-A. GRCh37 (hg19) VCF-style: chr3-189711896-ATACAGACCAGCCT-A.
Other names: c.254_266del, p.Lys85fs (NM_001134418.2); short protein forms K266fs, K85fs.
Identifiers: ClinVar variation 3776034 (VCV003776034.1).

ClinVar aggregate classification (germline): Pathogenic (1 of 4 stars; one submission).

Conditions:
Myopia, high, with cataract and vitreoretinal degeneration (MCVD). Identifiers: MedGen C3280346, MONDO:0013670, OMIM 614292.

Submission:

3billion
Classification: Pathogenic for Myopia, high, with cataract and vitreoretinal degeneration. Last evaluated: 2023-07-26. Review status: criteria provided, single submitter. Criteria: ACMG Guidelines, 2015. Collection method: clinical testing. Allele origin: germline. Affected: yes.
Comment: The variant is observed at an extremely low frequency in the gnomAD v2.1.1 dataset (total allele frequency: 0.002%). Predicted Consequence/Location: Frameshift: predicted to result in a loss or disruption of normal protein function through nonsense-mediated decay (NMD) or protein truncation. Multiple pathogenic variants are reported downstream of the variant. Therefore, this variant is classified as Pathogenic according to the recommendation of ACMG/AMP guideline.